The following is an entry in ClinVar:

ClinVar aggregate classification (germline): Conflicting classifications of pathogenicity. Review status: criteria provided, conflicting classifications (1 of 4 stars). 2 submissions from 2 submitters: Uncertain significance (1); Likely benign (1). Last evaluated 2023-03-23.

Conditions:
Hereditary cancer-predisposing syndrome. Also called: Tumor predisposition; Hereditary neoplastic syndrome; Neoplastic Syndromes, Hereditary; Hereditary Cancer Syndrome. Identifiers: Orphanet 140162, MedGen C0027672, MeSH D009386, MONDO:0015356.
Hereditary breast ovarian cancer syndrome. Also called: BRCA1- and BRCA2-Associated Hereditary Breast and Ovarian Cancer; Hereditary breast and ovarian cancer; Hereditary breast and/or ovarian cancer syndrome; Hereditary breast and ovarian cancer syndrome; Hereditary breast and ovarian cancer syndrome (HBOC); Breast and ovarian cancer. Identifiers: Orphanet 145, MedGen C0677776, MeSH D061325, MONDO:0003582. Disease mechanism: loss of function.

Submissions (2):

University of Washington Department of Laboratory Medicine, University of Washington
Classification: Likely benign for Hereditary cancer-predisposing syndrome. Last evaluated: 2023-03-23. Review status: criteria provided, single submitter. Criteria: Dines et al. (Genet Med. 2020). Collection method: curation. Allele origin: germline.
Comment: Missense variant in a coldspot region where missense variants are very unlikely to be pathogenic (PMID:31911673).

BRCA1 coldspot (exon 11 using historical exon numbering). Reclassification based on statistical prior probability

Labcorp Genetics (formerly Invitae), Labcorp
Classification: Uncertain significance for Hereditary breast ovarian cancer syndrome. Last evaluated: 2020-12-18. Review status: criteria provided, single submitter. Criteria: Invitae Variant Classification Sherloc (09022015). Collection method: clinical testing. Allele origin: germline.
Comment: In summary, the available evidence is currently insufficient to determine the role of this variant in disease. Therefore, it has been classified as a Variant of Uncertain Significance. Advanced modeling of protein sequence and biophysical properties (such as structural, functional, and spatial information, amino acid conservation, physicochemical variation, residue mobility, and thermodynamic stability) performed at Invitae indicates that this missense variant is not expected to disrupt BRCA1 protein function. This variant has not been reported in the literature in individuals with BRCA1-related conditions. This variant is not present in population databases (ExAC no frequency). This sequence change replaces lysine with glutamic acid at codon 450 of the BRCA1 protein (p.Lys450Glu). The lysine residue is moderately conserved and there is a small physicochemical difference between lysine and glutamic acid.

NM_007294.4(BRCA1):c.1348A>G (p.Lys450Glu)

Gene: BRCA1 (BRCA1 DNA repair associated; minus strand). Cytogenetic location: 17q21.31.
Variant type: single nucleotide variant.
Coding change: c.1348A>G on transcript NM_007294.4 (MANE Select); coding-DNA position 1348, A replaced by G.
Protein change: p.Lys450Glu; replaces lysine 450 with glutamic acid.
Molecular consequence: missense variant. On other transcripts: intron variant (137).
Genome position (GRCh38, 1-based): chr17:43,094,183, T>C on the plus strand (A>G on the coding strand, the complement: BRCA1 is on the minus strand). VCF-style: chr17-43094183-T-C. GRCh37 (hg19) VCF-style: chr17-41246200-T-C.
Other names: c.1348A>G, p.Lys450Glu (NM_007300.4, NM_001407581.1, NM_001407582.1 and 30 more transcripts); c.646+561A>G (NM_001408458.1, NM_001408469.1, NM_001408453.1 and 11 more transcripts); c.283+561A>G (NM_001408512.1); c.406+561A>G (NM_001408510.1); c.643+561A>G (NM_001408470.1, NM_001408464.1, NM_001408468.1 and 3 more transcripts); c.784+561A>G (NM_001408397.1, NM_001408401.1, NM_001408396.1 and 13 more transcripts); c.664+561A>G (NM_001408436.1, NM_001408444.1, NM_001408438.1 and 12 more transcripts); c.787+561A>G (NM_001407980.1, NM_001407993.1, NM_001407976.1 and 19 more transcripts); and 40 more; short protein forms K403E, K450E, K154E, K338E, K380E, K447E, K362E, K382E.
Identifiers: ClinVar variation 1357359 (VCV001357359.11), dbSNP rs2053952990, ClinGen allele CA10599353.